The following is an entry in ClinVar:

ClinVar aggregate classification (germline): Uncertain significance (1 of 4 stars; one submission).

Conditions:
Severe combined immunodeficiency due to DCLRE1C deficiency (RS-SCID). Also called: SCID, AUTOSOMAL RECESSIVE, T CELL-NEGATIVE, B CELL-NEGATIVE, NK CELL-POSITIVE, WITH SENSITIVITY TO IONIZING RADIATION. Identifiers: Orphanet 275, MedGen C1865371, MONDO:0011225, OMIM 602450.

Allele frequency attached by ClinVar (database versions not stated): gnomAD 0.00002; gnomAD exomes 0.00001 and below 0.00001; TOPMed below 0.00001.
gnomAD v4.1: 8 of 1,614,088 alleles (0.0005%); highest among the groups gnomAD compares: Non-Finnish European, 0.00068%; no homozygotes.

Submission:

Labcorp Genetics (formerly Invitae), Labcorp
Classification: Uncertain significance for Athabaskan severe combined immunodeficiency. Last evaluated: 2022-02-24. Review status: criteria provided, single submitter. Criteria: Invitae Variant Classification Sherloc (09022015). Collection method: clinical testing. Allele origin: germline.
Comment: In summary, the available evidence is currently insufficient to determine the role of this variant in disease. Therefore, it has been classified as a Variant of Uncertain Significance. This sequence change replaces phenylalanine, which is neutral and non-polar, with serine, which is neutral and polar, at codon 522 of the DCLRE1C protein (p.Phe522Ser). This variant is present in population databases (no rsID available, gnomAD 0.0009%). This variant has not been reported in the literature in individuals affected with DCLRE1C-related conditions. ClinVar contains an entry for this variant (Variation ID: 938066). Algorithms developed to predict the effect of missense changes on protein structure and function are either unavailable or do not agree on the potential impact of this missense change (SIFT: "Tolerated"; PolyPhen-2: "Possibly Damaging"; Align-GVGD: "Class C0").

NM_001033855.3(DCLRE1C):c.1565T>C (p.Phe522Ser)

Gene: DCLRE1C (DNA cross-link repair 1C; minus strand). Cytogenetic location: 10p13.
Variant type: single nucleotide variant.
Coding change: c.1565T>C on transcript NM_001033855.3 (MANE Select); coding-DNA position 1565, T replaced by C.
Protein change: p.Phe522Ser; replaces phenylalanine 522 with serine.
Molecular consequence: missense variant. On other transcripts: non-coding transcript variant (4).
Genome position (GRCh38, 1-based): chr10:14,908,922, A>G on the plus strand (T>C on the coding strand, the complement: DCLRE1C is on the minus strand). VCF-style: chr10-14908922-A-G. GRCh37 (hg19) VCF-style: chr10-14950921-A-G.
Other names: c.1205T>C, p.Phe402Ser (NM_001033857.3, NM_001033858.3, NM_001289077.2 and 2 more transcripts); c.1220T>C, p.Phe407Ser (NM_001289076.2, NM_001289078.2, NM_001350966.2 and 1 more transcripts); c.1565T>C, p.Phe522Ser (NM_001350965.2); short protein forms F402S, F407S, F522S.
Identifiers: ClinVar variation 938066 (VCV000938066.9), dbSNP rs1482857000, ClinGen allele CA376075316.
Genomic context (GRCh38, chr10:14,908,922, plus strand): 5'-TGTGTTGACTGGGAAGAATTCTGGGAGGAGATGTGAGTTGATTCTCCATCAGAGTCACTG[A>G]AAAGCTTTGGTGACTGAGATCCCCCTGCCACTGTGGAGGAAGGGAAGTTTTCCAAACTCT-3'
Protein context (NP_001029027.1, residues 512-532): VAGGSQSPKL[Phe522Ser]SDSDGESTHI